The following is an entry in ClinVar:

NM_001384732.1(CPLANE1):c.6538C>G (p.Gln2180Glu)

Gene: CPLANE1 (ciliogenesis and planar polarity effector complex subunit 1; minus strand). Cytogenetic location: 5p13.2.
Variant type: single nucleotide variant.
Coding change: c.6538C>G on transcript NM_001384732.1 (MANE Select); coding-DNA position 6538, C replaced by G.
Protein change: p.Gln2180Glu; replaces glutamine 2180 with glutamic acid.
Molecular consequence: missense variant.
Genome position (GRCh38, 1-based): chr5:37,169,486, G>C on the plus strand (C>G on the coding strand, the complement: CPLANE1 is on the minus strand). VCF-style: chr5-37169486-G-C. GRCh37 (hg19) VCF-style: chr5-37169588-G-C.
Other names: c.6538C>G, p.Gln2180Glu (NM_023073.4); short protein forms Q2180E.
Identifiers: ClinVar variation 1514939 (VCV001514939.7), dbSNP rs138088605, ClinGen allele CA117054841.

ClinVar aggregate classification (germline): Uncertain significance. Review status: criteria provided, multiple submitters, no conflicts (2 of 4 stars). 2 submissions from 2 submitters: Uncertain significance (2). Last evaluated 2021-10-29.

Conditions:
Joubert syndrome 17 (JBTS17). Identifiers: Orphanet 475, MedGen C3553264, MONDO:0013824, OMIM 614615.
Orofaciodigital syndrome type 6 (OFD6). Also called: Oral-facial-digital syndrome type 6; Central polydactyly cleft lip/palate or lingual lump and psychomotor retardation; Y-shaped central metacarpal and cerebellar defect; Joubert syndrome with orofacialdigital anomalies; VARADI-PAPP SYNDROME; OROFACIODIGITAL SYNDROME VI. Identifiers: Orphanet 2754, MedGen C2745997, MONDO:0010176, OMIM 277170.

Allele frequency attached by ClinVar (database versions not stated): gnomAD exomes 0.00002; gnomAD 0.00003; ESP Exome Variant Server 0.00008.
gnomAD v4.1: 34 of 1,613,962 alleles (0.0021%); highest among the groups gnomAD compares: African/African-American, 0.0053%; no homozygotes.

Submissions (2):

Fulgent Genetics
Classification: Uncertain significance for Orofaciodigital syndrome type 6; Joubert syndrome 17. Last evaluated: 2021-10-29. Review status: criteria provided, single submitter. Criteria: ACMG Guidelines, 2015. Collection method: clinical testing. Allele origin: unknown.

Labcorp Genetics (formerly Invitae), Labcorp
Classification: Uncertain significance. Last evaluated: 2021-08-18. Review status: criteria provided, single submitter. Criteria: Invitae Variant Classification Sherloc (09022015). Collection method: clinical testing. Allele origin: germline.
Comment: This sequence change replaces glutamine with glutamic acid at codon 2180 of the CPLANE1 protein (p.Gln2180Glu). The glutamine residue is moderately conserved and there is a small physicochemical difference between glutamine and glutamic acid. This variant is not present in population databases (ExAC no frequency). This variant has not been reported in the literature in individuals affected with CPLANE1-related conditions. Advanced modeling of protein sequence and biophysical properties (such as structural, functional, and spatial information, amino acid conservation, physicochemical variation, residue mobility, and thermodynamic stability) performed at Invitae indicates that this missense variant is not expected to disrupt CPLANE1 protein function. In summary, the available evidence is currently insufficient to determine the role of this variant in disease. Therefore, it has been classified as a Variant of Uncertain Significance.